The following is an entry in ClinVar:

NM_022845.3(CBFB):c.399+2T>C

Gene: CBFB (core-binding factor subunit beta; plus strand). Cytogenetic location: 16q22.1.
Variant type: single nucleotide variant.
Coding change: c.399+2T>C on transcript NM_022845.3 (MANE Select); the canonical splice donor site of the intron after coding-DNA position 399, T replaced by C.
Molecular consequence: splice donor variant. On other transcripts: intron variant (2).
Genome position (GRCh38, 1-based): chr16:67,066,800, T>C. VCF-style: chr16-67066800-T-C. GRCh37 (hg19) VCF-style: chr16-67100703-T-C.
Other names: NC_000016.9:g.67100703T>C; c.399+2T>C (NM_022845.2, NM_001755.3); c.283-15413T>C (NM_001368710.1, NM_001368708.1); c.282+2T>C (NM_001368709.1, NM_001368707.1).
Identifiers: ClinVar variation 4413898 (VCV004413898.2).

ClinVar aggregate classification (germline): Uncertain significance (1 of 4 stars; one submission).

Submissions (2):

Ambry Genetics
Classification: Uncertain significance. Last evaluated: 2026-05-11. Review status: criteria provided, single submitter. Criteria: Ambry Variant Classification Scheme 2023. Collection method: clinical testing. Allele origin: germline.
Comment: The c.399+2T>C intronic alteration consists of a T to C substitution two nucleotides after Intron 4 (C) of the CBFB gene. Variants that disrupt the canonical splice site are expected to cause aberrant splicing, resulting in an abnormal protein or a transcript that is subject to nonsense-mediated mRNA decay. However, loss of function of CBFB has not been established as a mechanism of disease. This variant was not reported in population-based cohorts in the Genome Aggregation Database (gnomAD). This nucleotide position is highly conserved in available vertebrate species. In silico splice site analysis predicts that this alteration will weaken the native splice donor site and may result in the creation or strengthening of a novel splice donor site. Based on insufficient or conflicting evidence, the clinical significance of this alteration remains unclear.

Dr. Peter K. Rogan Lab, Western University
No classification provided (evidence only). Condition: Familial cancer of breast. Review status: no classification provided. Collection method: in vitro. Allele origin: not applicable. Functional consequence: skipped exon, retained intron. Not counted in ClinVar's aggregate classification.